The following is an entry in ClinVar:

ClinVar aggregate classification (germline): Uncertain significance (1 of 4 stars; one submission).

Submission:

Labcorp Genetics (formerly Invitae), Labcorp
Classification: Uncertain significance. Last evaluated: 2023-06-29. Review status: criteria provided, single submitter. Criteria: Invitae Variant Classification Sherloc (09022015). Collection method: clinical testing. Allele origin: germline.
Comment: In summary, the available evidence is currently insufficient to determine the role of this variant in disease. Therefore, it has been classified as a Variant of Uncertain Significance. Advanced modeling of protein sequence and biophysical properties (such as structural, functional, and spatial information, amino acid conservation, physicochemical variation, residue mobility, and thermodynamic stability) performed at Invitae indicates that this missense variant is expected to disrupt ADAMTSL4 protein function. ClinVar contains an entry for this variant (Variation ID: 1923001). This variant has not been reported in the literature in individuals affected with ADAMTSL4-related conditions. This variant is not present in population databases (gnomAD no frequency). This sequence change replaces phenylalanine, which is neutral and non-polar, with leucine, which is neutral and non-polar, at codon 399 of the ADAMTSL4 protein (p.Phe399Leu).

NM_019032.6(ADAMTSL4):c.1197C>G (p.Phe399Leu)

Genes: ADAMTSL4 (ADAMTS like 4; plus strand), ADAMTSL4-AS2 (ADAMTSL4 antisense RNA 2; minus strand). Cytogenetic location: 1q21.2.
Variant type: single nucleotide variant.
Coding change: c.1197C>G on transcript NM_019032.6 (MANE Select); coding-DNA position 1197, C replaced by G.
Protein change: p.Phe399Leu; replaces phenylalanine 399 with leucine.
Molecular consequence: missense variant.
Genome position (GRCh38, 1-based): chr1:150,554,430, C>G. VCF-style: chr1-150554430-C-G. GRCh37 (hg19) VCF-style: chr1-150526906-C-G.
Other names: c.1197C>G, p.Phe399Leu (NM_001288607.2, NM_001288608.2, NM_001378596.1 and 1 more transcripts); short protein forms F399L.
Identifiers: ClinVar variation 1923001 (VCV001923001.5), dbSNP rs780280898, ClinGen allele CA342304813.